The following is an entry in ClinVar:

NM_000408.5(GPD2):c.913G>A (p.Ala305Thr)

Gene: GPD2 (glycerol-3-phosphate dehydrogenase 2; plus strand). Cytogenetic location: 2q24.1.
Variant type: single nucleotide variant.
Coding change: c.913G>A on transcript NM_000408.5 (MANE Select); coding-DNA position 913, G replaced by A.
Protein change: p.Ala305Thr; replaces alanine 305 with threonine.
Molecular consequence: missense variant.
Genome position (GRCh38, 1-based): chr2:156,550,688, G>A. VCF-style: chr2-156550688-G-A. GRCh37 (hg19) VCF-style: chr2-157407200-G-A.
Other names: c.913G>A, p.Ala305Thr (NM_001083112.3); c.913G>A (NM_001083112.2); short protein forms A305T.
Identifiers: ClinVar variation 1049096 (VCV001049096.4), dbSNP rs767842019, ClinGen allele CA348669885.

ClinVar aggregate classification (germline): Uncertain significance. Review status: criteria provided, single submitter (1 of 4 stars). 2 submissions from 2 submitters: Uncertain significance (1). 1 of the submissions does not count toward it. Last evaluated 2025-06-24.

Allele frequency attached by ClinVar (database versions not stated): TOPMed 0.00003.
gnomAD v4.1: 55 of 1,613,500 alleles (0.0034%); highest among the groups gnomAD compares: Non-Finnish European, 0.0042%; no homozygotes.

Submissions (2):

Ambry Genetics
Classification: Uncertain significance. Last evaluated: 2025-06-24. Review status: criteria provided, single submitter. Criteria: Ambry Variant Classification Scheme 2023. Collection method: clinical testing. Allele origin: germline.

Department of Pathology and Laboratory Medicine, Sinai Health System
Classification: Uncertain significance. Review status: no assertion criteria provided. Collection method: clinical testing. Allele origin: unknown. Affected: yes. Study: The Canadian Open Genetics Repository (COGR). Not counted in ClinVar's aggregate classification.
Comment: The GPD2 p.Ala305Thr variant was not identified in the literature nor was it identified in ClinVar or LOVD 3.0. The variant was identified in dbSNP (ID: rs767842019). The variant was identified in control databases in 3 of 251166 chromosomes at a frequency of 0.00001194 (Genome Aggregation Database March 6, 2019, v2.1.1). The variant was observed in the following populations: African in 1 of 16256 chromosomes (freq: 0.000062), European (non-Finnish) in 2 of 113534 chromosomes (freq: 0.000018), but was not observed in the Latino, Ashkenazi Jewish, East Asian, European (Finnish), Other, or South Asian populations. The p.Ala305 residue is not conserved in mammals and computational analyses (PolyPhen-2, SIFT, AlignGVGD, BLOSUM, MutationTaster) do not suggest a high likelihood of impact to the protein; however, this information is not predictive enough to rule out pathogenicity. The variant occurs outside of the splicing consensus sequence and in silico or computational prediction software programs (SpliceSiteFinder, MaxEntScan, NNSPLICE, GeneSplicer) do not predict a difference in splicing. In summary, based on the above information the clinical significance of this variant cannot be determined with certainty at this time. This variant is classified as a variant of uncertain significance.